The following is an entry in ClinVar:

ClinVar aggregate classification (germline): Uncertain significance (1 of 4 stars; one submission).

gnomAD v4.1: 1 of 1,614,154 alleles (0.000062%); no homozygotes.

Submission:

Labcorp Genetics (formerly Invitae), Labcorp
Classification: Uncertain significance. Last evaluated: 2024-08-24. Review status: criteria provided, single submitter. Criteria: Invitae Variant Classification Sherloc (09022015). Collection method: clinical testing. Allele origin: germline.
Comment: This sequence change creates a premature translational stop signal (p.Cys864*) in the DDX58 gene. While this is not anticipated to result in nonsense mediated decay, it is expected to disrupt the last 62 amino acid(s) of the DDX58 protein. This variant is not present in population databases (gnomAD no frequency). This variant has not been reported in the literature in individuals affected with DDX58-related conditions. In summary, the available evidence is currently insufficient to determine the role of this variant in disease. Therefore, it has been classified as a Variant of Uncertain Significance.

NM_014314.4(RIGI):c.2592T>A (p.Cys864Ter)

Gene: RIGI (RNA sensor RIG-I; minus strand). Cytogenetic location: 9p21.1.
Variant type: single nucleotide variant.
Coding change: c.2592T>A on transcript NM_014314.4 (MANE Select); coding-DNA position 2592, T replaced by A.
Protein change: p.Cys864Ter; replaces cysteine 864 with a stop codon.
Molecular consequence: nonsense.
Genome position (GRCh38, 1-based): chr9:32,457,308, A>T on the plus strand (T>A on the coding strand, the complement: RIGI is on the minus strand). VCF-style: chr9-32457308-A-T. GRCh37 (hg19) VCF-style: chr9-32457306-A-T.
Other names: c.2586T>A, p.Cys862Ter (NM_001385907.1); c.2421T>A, p.Cys807Ter (NM_001385909.1); c.2151T>A, p.Cys717Ter (NM_001385910.1); c.1983T>A, p.Cys661Ter (NM_001385912.1); c.2577T>A, p.Cys859Ter (NM_001385913.1); c.2148T>A, p.Cys716Ter (NM_001385914.1); short protein forms C661*, C716*, C717*, C807*, C859*, C862*, C864*.
Identifiers: ClinVar variation 3617270 (VCV003617270.2).